The following is an entry in ClinVar:

NM_032447.5(FBN3):c.5233C>T (p.Arg1745Cys)

Gene: FBN3 (fibrillin 3; minus strand). Cytogenetic location: 19p13.2.
Variant type: single nucleotide variant.
Coding change: c.5233C>T on transcript NM_032447.5 (MANE Select); coding-DNA position 5233, C replaced by T.
Protein change: p.Arg1745Cys; replaces arginine 1745 with cysteine.
Molecular consequence: missense variant.
Genome position (GRCh38, 1-based): chr19:8,097,343, G>A on the plus strand (C>T on the coding strand, the complement: FBN3 is on the minus strand). VCF-style: chr19-8097343-G-A. GRCh37 (hg19) VCF-style: chr19-8162227-G-A.
Other names: c.5233C>T, p.Arg1745Cys (NM_001321431.2); short protein forms R1745C.
Identifiers: ClinVar variation 2183594 (VCV002183594.4), dbSNP rs370002484, ClinGen allele CA9151742.

ClinVar aggregate classification (germline): Uncertain significance (1 of 4 stars; one submission).

Allele frequency attached by ClinVar (database versions not stated): gnomAD 0.00001; TOPMed 0.00004; ExAC 0.00006; ESP Exome Variant Server 0.00008.
gnomAD v4.1: 41 of 1,610,140 alleles (0.0025%); highest among the groups gnomAD compares: Non-Finnish European, 0.0031%; no homozygotes.

Submission:

Labcorp Genetics (formerly Invitae), Labcorp
Classification: Uncertain significance. Last evaluated: 2024-12-17. Review status: criteria provided, single submitter. Criteria: Invitae Variant Classification Sherloc (09022015). Collection method: clinical testing. Allele origin: germline.
Comment: This sequence change replaces arginine, which is basic and polar, with cysteine, which is neutral and slightly polar, at codon 1745 of the FBN3 protein (p.Arg1745Cys). This variant is present in population databases (rs370002484, gnomAD 0.007%). This missense change has been observed in individual(s) with developmental disorders (PMID: 33057194, 35982159). ClinVar contains an entry for this variant (Variation ID: 2183594). Invitae Evidence Modeling of protein sequence and biophysical properties (such as structural, functional, and spatial information, amino acid conservation, physicochemical variation, residue mobility, and thermodynamic stability) has been performed for this missense variant. However, the output from this modeling did not meet the statistical confidence thresholds required to predict the impact of this variant on FBN3 protein function. In summary, the available evidence is currently insufficient to determine the role of this variant in disease. Therefore, it has been classified as a Variant of Uncertain Significance.

Literature cited by the submitters: PubMed 33057194; PubMed 35982159.